The following is an entry in ClinVar:

NM_000302.4(PLOD1):c.1760A>G (p.Asn587Ser)

Gene: PLOD1 (procollagen-lysine,2-oxoglutarate 5-dioxygenase 1; plus strand). Cytogenetic location: 1p36.22.
Variant type: single nucleotide variant.
Coding change: c.1760A>G on transcript NM_000302.4 (MANE Select); coding-DNA position 1760, A replaced by G.
Protein change: p.Asn587Ser; replaces asparagine 587 with serine.
Molecular consequence: missense variant.
Genome position (GRCh38, 1-based): chr1:11,970,674, A>G. VCF-style: chr1-11970674-A-G. GRCh37 (hg19) VCF-style: chr1-12030731-A-G.
Other names: c.1901A>G, p.Asn634Ser (NM_001316320.2); short protein forms N587S, N634S.
Identifiers: ClinVar variation 4139843 (VCV004139843.1).

ClinVar aggregate classification (germline): Uncertain significance (1 of 4 stars; one submission).

Conditions:
Familial thoracic aortic aneurysm and aortic dissection (TAAD). Also called: Thoracic aortic aneurysms and dissections. Identifiers: Orphanet 91387, MedGen C4707243, MONDO:0019625.

gnomAD v4.1: 29 of 1,612,970 alleles (0.0018%); highest among the groups gnomAD compares: African/African-American, 0.015%; no homozygotes.

Submission:

Ambry Genetics
Classification: Uncertain significance for Familial thoracic aortic aneurysm and aortic dissection. Last evaluated: 2025-08-26. Review status: criteria provided, single submitter. Criteria: Ambry Variant Classification Scheme 2023. Collection method: clinical testing. Allele origin: germline.
Comment: The p.N587S variant (also known as c.1760A>G), located in coding exon 17 of the PLOD1 gene, results from an A to G substitution at nucleotide position 1760. The asparagine at codon 587 is replaced by serine, an amino acid with highly similar properties. This amino acid position is not well conserved in available vertebrate species, and serine is the reference amino acid in other vertebrate species. In addition, this alteration is predicted to be tolerated by in silico analysis. Based on the available evidence, the clinical significance of this variant remains unclear.